The following is an entry in ClinVar:

NM_003922.4(HERC1):c.2716A>G (p.Ser906Gly)

Gene: HERC1 (HECT and RLD domain containing E3 ubiquitin protein ligase family member 1; minus strand). Cytogenetic location: 15q22.31.
Variant type: single nucleotide variant.
Coding change: c.2716A>G on transcript NM_003922.4 (MANE Select); coding-DNA position 2716, A replaced by G.
Protein change: p.Ser906Gly; replaces serine 906 with glycine.
Molecular consequence: missense variant.
Genome position (GRCh38, 1-based): chr15:63,733,076, T>C on the plus strand (A>G on the coding strand, the complement: HERC1 is on the minus strand). VCF-style: chr15-63733076-T-C. GRCh37 (hg19) VCF-style: chr15-64025275-T-C.
Other names: short protein forms S906G.
Identifiers: ClinVar variation 1694756 (VCV001694756.31), dbSNP rs2141033579, ClinGen allele CA392760881.

ClinVar aggregate classification (germline): Uncertain significance (1 of 4 stars; one submission).

Allele frequency attached by ClinVar (database versions not stated): gnomAD exomes below 0.00001.
gnomAD v4.1: 2 of 1,613,972 alleles (0.00012%); highest among the groups gnomAD compares: Non-Finnish European, 0.000085%; no homozygotes.

Submission:

CeGaT Center for Human Genetics Tuebingen
Classification: Uncertain significance. Last evaluated: 2022-04-01. Review status: criteria provided, single submitter. Criteria: CeGaT Center For Human Genetics Tuebingen Variant Classification Criteria Version 2. Collection method: clinical testing. Allele origin: germline. Affected: yes. Observed: 1 variant allele.
Comment: HERC1: PM2, PP2